The following is an entry in ClinVar:

NM_015627.3(LDLRAP1):c.673A>G (p.Thr225Ala)

Gene: LDLRAP1 (low density lipoprotein receptor adaptor protein 1; plus strand). Cytogenetic location: 1p36.11.
Variant type: single nucleotide variant.
Coding change: c.673A>G on transcript NM_015627.3 (MANE Select); coding-DNA position 673, A replaced by G.
Protein change: p.Thr225Ala; replaces threonine 225 with alanine.
Molecular consequence: missense variant.
Genome position (GRCh38, 1-based): chr1:25,563,717, A>G. VCF-style: chr1-25563717-A-G. GRCh37 (hg19) VCF-style: chr1-25890208-A-G.
Other names: short protein forms T225A.
Identifiers: ClinVar variation 937746 (VCV000937746.10), dbSNP rs767432973, ClinGen allele CA695689.

ClinVar aggregate classification (germline): Conflicting classifications of pathogenicity. Review status: criteria provided, conflicting classifications (1 of 4 stars). 5 submissions from 5 submitters: Uncertain significance (3); Likely benign (1). 1 of the submissions does not count toward it. Last evaluated 2025-11-17.

Conditions:
Hypercholesterolemia, familial, 4 (FHCL4). Also called: HYPERCHOLESTEROLEMIA, AUTOSOMAL RECESSIVE, 1; HYPERCHOLESTEROLEMIA, AUTOSOMAL RECESSIVE, 2. Identifiers: Orphanet 391665, MedGen C1863512, MONDO:0011374, OMIM 603813.
Cardiovascular phenotype. Identifiers: MedGen CN230736.
Familial hypercholesterolemia. Also called: Familial hypercholesterolemias; Familial hypercholesterolaemia. Identifiers: MedGen C0020445, MONDO:0005439.

Allele frequency attached by ClinVar (database versions not stated): gnomAD exomes below 0.00001; TOPMed below 0.00001; ExAC 0.00001.
gnomAD v4.1: 4 of 1,613,984 alleles (0.00025%); highest among the groups gnomAD compares: Middle Eastern, 0.017%; no homozygotes.

Submissions (5):

Ambry Genetics
Classification: Likely benign for Cardiovascular phenotype. Last evaluated: 2025-11-17. Review status: criteria provided, single submitter. Criteria: Ambry Variant Classification Scheme 2023. Collection method: clinical testing. Allele origin: germline.

Genome-Nilou Lab
Classification: Uncertain significance for Hypercholesterolemia, familial, 4. Last evaluated: 2023-04-11. Review status: criteria provided, single submitter. Criteria: ACMG Guidelines, 2015. Collection method: clinical testing. Allele origin: germline. Affected: no.

Labcorp Genetics (formerly Invitae), Labcorp
Classification: Uncertain significance for Hypercholesterolemia, familial, 4. Last evaluated: 2021-08-26. Review status: criteria provided, single submitter. Criteria: Invitae Variant Classification Sherloc (09022015). Collection method: clinical testing. Allele origin: germline.
Comment: This sequence change replaces threonine with alanine at codon 225 of the LDLRAP1 protein (p.Thr225Ala). The threonine residue is moderately conserved and there is a small physicochemical difference between threonine and alanine. This variant is present in population databases (rs767432973, ExAC 0.002%). This variant has not been reported in the literature in individuals affected with LDLRAP1-related conditions. Algorithms developed to predict the effect of missense changes on protein structure and function (SIFT, PolyPhen-2, Align-GVGD) all suggest that this variant is likely to be tolerated. In summary, the available evidence is currently insufficient to determine the role of this variant in disease. Therefore, it has been classified as a Variant of Uncertain Significance.

Molecular Diagnostic Laboratory for Inherited Cardiovascular Disease, Montreal Heart Institute
Classification: Uncertain significance. Last evaluated: 2020-02-03. Review status: criteria provided, single submitter. Criteria: ACMG Guidelines, 2015. Collection method: clinical testing. Allele origin: germline. Affected: yes.

Natera, Inc.
Classification: Uncertain significance for Familial hypercholesterolemia. Last evaluated: 2021-01-20. Review status: no assertion criteria provided. Collection method: clinical testing. Allele origin: germline. Not counted in ClinVar's aggregate classification.